The following is an entry in ClinVar:

ClinVar aggregate classification (germline): Uncertain significance. Review status: criteria provided, multiple submitters, no conflicts (2 of 4 stars). 2 submissions from 2 submitters: Uncertain significance (2). Last evaluated 2024-11-14.

Conditions:
Inborn genetic diseases. Identifiers: MedGen C0950123, MeSH D030342.
Hereditary spastic paraplegia 11. Also called: SPASTIC PARAPLEGIA, AUTOSOMAL RECESSIVE, COMPLICATED, WITH THIN CORPUS CALLOSUM; SPASTIC PARAPLEGIA, AUTOSOMAL RECESSIVE, WITH MENTAL IMPAIRMENT AND THIN CORPUS CALLOSUM; Nakamura Osame syndrome; Autosomal recessive hereditary spastic paraplegia, mental impairment, and thin corpus callosum; Spastic paraplegia, mental retardation and thin corpus callosum; Spastic Paraplegia 11. Identifiers: Orphanet 2822, MedGen C1858479, MONDO:0011445, OMIM 604360.

Allele frequency attached by ClinVar (database versions not stated): gnomAD 0.00001.

Submissions (2):

Ambry Genetics
Classification: Uncertain significance for Inborn genetic diseases. Last evaluated: 2024-11-14. Review status: criteria provided, single submitter. Criteria: Ambry Variant Classification Scheme 2023. Collection method: clinical testing. Allele origin: germline.

Labcorp Genetics (formerly Invitae), Labcorp
Classification: Uncertain significance for Hereditary spastic paraplegia 11. Last evaluated: 2022-07-13. Review status: criteria provided, single submitter. Criteria: Invitae Variant Classification Sherloc (09022015). Collection method: clinical testing. Allele origin: germline.
Comment: This sequence change replaces valine, which is neutral and non-polar, with isoleucine, which is neutral and non-polar, at codon 398 of the SPG11 protein (p.Val398Ile). This variant is present in population databases (no rsID available, gnomAD 0.01%). This variant has not been reported in the literature in individuals affected with SPG11-related conditions. Algorithms developed to predict the effect of missense changes on protein structure and function (SIFT, PolyPhen-2, Align-GVGD) all suggest that this variant is likely to be tolerated. In summary, the available evidence is currently insufficient to determine the role of this variant in disease. Therefore, it has been classified as a Variant of Uncertain Significance.

NM_025137.4(SPG11):c.1192G>A (p.Val398Ile)

Gene: SPG11 (SPG11 vesicle trafficking associated, spatacsin; minus strand). Cytogenetic location: 15q21.1.
Variant type: single nucleotide variant.
Coding change: c.1192G>A on transcript NM_025137.4 (MANE Select); coding-DNA position 1192, G replaced by A.
Protein change: p.Val398Ile; replaces valine 398 with isoleucine.
Molecular consequence: missense variant.
Genome position (GRCh38, 1-based): chr15:44,651,755, C>T on the plus strand (G>A on the coding strand, the complement: SPG11 is on the minus strand). VCF-style: chr15-44651755-C-T. GRCh37 (hg19) VCF-style: chr15-44943953-C-T.
Other names: c.1192G>A (NM_025137.3); c.1192G>A, p.Val398Ile (NM_001160227.2, NM_001411132.1); short protein forms V398I.
Identifiers: ClinVar variation 2185480 (VCV002185480.2), dbSNP rs1292143501, ClinGen allele CA392236388.